The following is an entry in ClinVar:

ClinVar aggregate classification (germline): Uncertain significance (1 of 4 stars; one submission).

Submission:

Dasa
Classification: Uncertain significance. Last evaluated: 2025-12-12. Review status: criteria provided, single submitter. Criteria: DASA Assertion Criteria. Collection method: clinical testing. Allele origin: germline.
Comment: NM_001844.5(COL2A1):c.2518-76_2518-75del is an intronic variant. This variant is rare in population databases. The currently available literature and clinical evidence are not sufficient to establish a definitive association between this variant and the reported condition. Therefore, this variant is classified as a variant of uncertain significance.

NM_001844.5(COL2A1):c.2518-76_2518-75del

Gene: COL2A1 (collagen type II alpha 1 chain; minus strand). Cytogenetic location: 12q13.11.
Variant type: Microsatellite.
Coding change: c.2518-76_2518-75del on transcript NM_001844.5 (MANE Select); 76 bases into the intron before coding-DNA position 2518 through 75 bases into the intron before coding-DNA position 2518, 2 bases deleted (AG; older notation c.2518-76_2518-75delAG).
Molecular consequence: intron variant.
Genome position (GRCh38, 1-based): chr12:47,980,736-47,980,737, CT deleted on the plus strand (AG on the coding strand, the reverse complement: COL2A1 is on the minus strand); deleting any 2 consecutive bases within chr12:47,980,736-47,980,739 gives the same sequence; the c. name uses the placement nearest the transcript's 3' end. VCF-style (leftmost placement, unchanged base first): chr12-47980735-ACT-A. GRCh37 (hg19) VCF-style: chr12-48374518-ACT-A.
Other names: c.2311-76_2311-75del (NM_033150.3).
Identifiers: ClinVar variation 4886308 (VCV004886308.2).
Genomic context (GRCh38, chr12:47,980,735, plus strand): 5'-GAGGAAGCAGGTGAATGAGGGGCAGGCTAAAACCCTGGAGCTCTTCCAGAAGAGCAGGAG[ACT>A]CTGTGAGTATCTGCGTGTGTGTCCTGGTCTGGACATGATGGTTCTATTAGTATGGAGGCG-3'